The following is an entry in ClinVar:

NM_000540.3(RYR1):c.12487C>T (p.Leu4163=)

Gene: RYR1 (ryanodine receptor 1; plus strand). Cytogenetic location: 19q13.2.
Variant type: single nucleotide variant.
Coding change: c.12487C>T on transcript NM_000540.3 (MANE Select); coding-DNA position 12487, C replaced by T.
Protein change: p.Leu4163=; no amino-acid change (leucine 4163 retained).
Molecular consequence: synonymous variant.
Genome position (GRCh38, 1-based): chr19:38,561,317, C>T. VCF-style: chr19-38561317-C-T. GRCh37 (hg19) VCF-style: chr19-39051957-C-T.
Other names: c.12472C>T, p.Leu4158= (NM_001042723.2).
Identifiers: ClinVar variation 3075767 (VCV003075767.1), dbSNP rs1488685333, ClinGen allele CA507355304.

ClinVar aggregate classification (germline): Likely benign (1 of 4 stars; one submission).

Allele frequency attached by ClinVar (database versions not stated): TOPMed below 0.00001.
gnomAD v4.1: 1 of 1,614,072 alleles (0.000062%); highest among the groups gnomAD compares: Middle Eastern, 0.016%; no homozygotes.

Submission:

Laboratory for Molecular Medicine, Mass General Brigham Personalized Medicine
Classification: Likely benign. Last evaluated: 2019-04-19. Review status: criteria provided, single submitter. Criteria: ACMG Guidelines, 2015. Collection method: clinical testing. Allele origin: germline.
Comment: The p.Leu4163Leu variant in RYR1 is classified as likely benign because it does not alter an amino acid residue, is not located within the splice consensus site, and computational splice prediction tools do not predict an impact on splicing. It has been identified in 1/251188 chromosomes by gnomAD. ACMG/AMP Criteria applied: BP4, BP7.